The following is an entry in ClinVar:

ClinVar aggregate classification (germline): Uncertain significance (1 of 4 stars; one submission).

Conditions:
Acrocallosal syndrome (ACLS). Also called: Schinzel syndrome 1; Absence of corpus callosum with unusual facial appearance, mental deficiency, duplication of the halluces and polydactyly; HALLUX DUPLICATION, POSTAXIAL POLYDACTYLY, AND ABSENCE OF CORPUS CALLOSUM. Identifiers: Orphanet 36, MedGen C0796147, MONDO:0008708, OMIM 200990.

Submission:

Labcorp Genetics (formerly Invitae), Labcorp
Classification: Uncertain significance for Acrocallosal syndrome. Last evaluated: 2024-12-10. Review status: criteria provided, single submitter. Criteria: Invitae Variant Classification Sherloc (09022015). Collection method: clinical testing. Allele origin: germline.
Comment: This sequence change replaces glutamine, which is neutral and polar, with proline, which is neutral and non-polar, at codon 906 of the KIF7 protein (p.Gln906Pro). This variant is not present in population databases (gnomAD no frequency). This variant has not been reported in the literature in individuals affected with KIF7-related conditions. ClinVar contains an entry for this variant (Variation ID: 2112534). An algorithm developed to predict the effect of missense changes on protein structure and function (PolyPhen-2) suggests that this variant is likely to be disruptive. Algorithms developed to predict the effect of sequence changes on RNA splicing suggest that this variant may disrupt the consensus splice site. In summary, the available evidence is currently insufficient to determine the role of this variant in disease. Therefore, it has been classified as a Variant of Uncertain Significance.

NM_198525.3(KIF7):c.2717A>C (p.Gln906Pro)

Gene: KIF7 (kinesin family member 7; minus strand). Cytogenetic location: 15q26.1.
Variant type: single nucleotide variant.
Coding change: c.2717A>C on transcript NM_198525.3 (MANE Select); coding-DNA position 2717, A replaced by C.
Protein change: p.Gln906Pro; replaces glutamine 906 with proline.
Molecular consequence: missense variant.
Genome position (GRCh38, 1-based): chr15:89,633,142, T>G on the plus strand (A>C on the coding strand, the complement: KIF7 is on the minus strand). VCF-style: chr15-89633142-T-G. GRCh37 (hg19) VCF-style: chr15-90176373-T-G.
Other names: short protein forms Q906P.
Identifiers: ClinVar variation 2112534 (VCV002112534.4), dbSNP rs2505434653, ClinGen allele CA393758449.
Genomic context (GRCh38, chr15:89,633,142, plus strand): 5'-GGTGCACCCACCAGCCAGCCCCCAGGGGAGCCCTGGGTGCGGACACAGCCTGGCCCCACC[T>G]GCTGCTGTTCCAGGCTGACCACAGAGCCGTTGCTGCCACTGCGCCTCTTCCTCTGGAATG-3'
Protein context (NP_940927.2, residues 896-916): NGSVVSLEQQ[Gln906Pro]KIEEQKKWLD